The following is an entry in ClinVar:

ClinVar aggregate classification (germline): Uncertain significance. Review status: criteria provided, multiple submitters, no conflicts (2 of 4 stars). 2 submissions from 2 submitters: Uncertain significance (2). Last evaluated 2019-11-11.

Submissions (2):

ARUP Laboratories, Molecular Genetics and Genomics, ARUP Laboratories
Classification: Uncertain significance. Last evaluated: 2019-11-11. Review status: criteria provided, single submitter. Criteria: ARUP Molecular Germline Variant Investigation Process. Collection method: clinical testing. Allele origin: germline.
Comment: The TTN c.51018T>A; p.Asp17006Glu variant is rare in the general population (<1% allele frequency in the Genome Aggregation Database) and has not been reported in the medical literature in association with dilated cardiomyopathy (DCM) or other TTN-related disease. The clinical relevance of rare missense variants in this gene, which are identified on average once per individual sequenced in affected populations (Herman 2012), is not well understood. Yet, evidence suggests that the vast majority of such missense variants do not contribute to the clinical outcome of DCM (Begay 2015). Thus, the clinical significance of the p.Asp17006Glu variant cannot be determined with certainty. References: Begay RL et al. Role of Titin Missense Variants in Dilated Cardiomyopathy. J Am Heart Assoc. 2015 Nov 13;4(11). Herman DS et al. Truncations of titin causing dilated cardiomyopathy. N Engl J Med. 2012 Feb 16;366(7):619-28. Linke and Hamdani. Gigantic business: titin properties and function through thick and thin. Circ Res 2014; 114(6): 1052-1068.

Revvity Omics, Revvity
Classification: Uncertain significance. Last evaluated: 2019-10-09. Review status: criteria provided, single submitter. Criteria: ACMG Guidelines, 2015. Collection method: clinical testing. Allele origin: germline.

NM_001267550.2(TTN):c.51018T>A (p.Asp17006Glu)

Genes: TTN-AS1 (TTN antisense RNA 1; plus strand), TTN (titin; minus strand). Cytogenetic location: 2q31.2.
Variant type: single nucleotide variant.
Coding change: c.51018T>A on transcript NM_001267550.2 (MANE Select); coding-DNA position 51018, T replaced by A.
Protein change: p.Asp17006Glu; replaces aspartic acid 17006 with glutamic acid.
Molecular consequence: missense variant.
Genome position (GRCh38, 1-based): chr2:178,611,111, A>T on the plus strand (T>A on the coding strand, the complement: TTN is on the minus strand). VCF-style: chr2-178611111-A-T. GRCh37 (hg19) VCF-style: chr2-179475838-A-T.
Other names: c.46095T>A, p.Asp15365Glu (NM_001256850.1); c.23823T>A, p.Asp7941Glu (NM_003319.4); c.43314T>A, p.Asp14438Glu (NM_133378.4); c.24198T>A, p.Asp8066Glu (NM_133432.3); c.24399T>A, p.Asp8133Glu (NM_133437.4); short protein forms D14438E, D15365E, D17006E, D7941E, D8066E, D8133E.
Identifiers: ClinVar variation 993380 (VCV000993380.10), dbSNP rs1163818093, ClinGen allele CA349589714.